The following is an entry in ClinVar:

ClinVar aggregate classification (germline): Likely pathogenic (1 of 4 stars; one submission).

Conditions:
Hyperinsulinemic hypoglycemia, familial, 1 (HHF1). Also called: Persistent hyperinsulinemic hypoglycemia of infancy; NESIDIOBLASTOSIS OF PANCREAS; HYPERINSULINISM, FAMILIAL, WITH PANCREATIC NESIDIOBLASTOSIS; HYPOGLYCEMIA, HYPERINSULINEMIC, OF INFANCY; Persistent Hyperinsulinemia Hypoglycemia of Infancy. Identifiers: Orphanet 276575, Orphanet 276598, MedGen C2931832, MONDO:0009734, OMIM 256450.

gnomAD v4.1: 1 of 1,614,150 alleles (0.000062%); highest among the groups gnomAD compares: Non-Finnish European, 0.000085%; no homozygotes.

Submission:

Myriad Genetics, Inc.
Classification: Likely pathogenic for Hyperinsulinemic hypoglycemia, familial, 1. Last evaluated: 2026-02-13. Review status: criteria provided, single submitter. Criteria: Myriad Autosomal Dominant, Autosomal Recessive and X-Linked Classification Criteria (2023). Collection method: clinical testing. Allele origin: unknown.
Comment: NM_000352.3(ABCC8):c.2821-1G>A is a variant in a canonical splice site classified as likely pathogenic in the context of familial hyperinsulinism, ABCC8-related. c.2821-1G>A has not been observed in cases with relevant disease. Relevant functional assessments of this variant are not available in the literature. c.2821-1G>A has not been observed in referenced population frequency databases. In summary, NM_000352.3(ABCC8):c.2821-1G>A is a variant in a canonical splice site in a gene where loss of function is a known mechanism of disease and is predicted to disrupt protein function. Please note: this variant was assessed in the context of healthy population screening.

NM_000352.6(ABCC8):c.2821-1G>A

Gene: ABCC8 (ATP binding cassette subfamily C member 8; minus strand). Cytogenetic location: 11p15.1.
Variant type: single nucleotide variant.
Coding change: c.2821-1G>A on transcript NM_000352.6 (MANE Select); the canonical splice acceptor site of the intron before coding-DNA position 2821, G replaced by A.
Molecular consequence: splice acceptor variant.
Genome position (GRCh38, 1-based): chr11:17,407,454, C>T on the plus strand (G>A on the coding strand, the complement: ABCC8 is on the minus strand). VCF-style: chr11-17407454-C-T. GRCh37 (hg19) VCF-style: chr11-17429001-C-T.
Other names: c.2818-1G>A (NM_001351297.2); c.2821-1G>A (NM_001351296.2); c.2887-1G>A (NM_001351295.2); c.2824-1G>A (NM_001287174.3).
Identifiers: ClinVar variation 5003244 (VCV005003244.1).